The following is an entry in ClinVar:

ClinVar aggregate classification (germline): Likely benign (1 of 4 stars; one submission).

Allele frequency attached by ClinVar (database versions not stated): TOPMed 0.00008; gnomAD 0.00009; 1000 Genomes Project 30x 0.00031; 1000 Genomes Project 0.00040.
gnomAD v4.1: 100 of 1,614,106 alleles (0.0062%); highest among the groups gnomAD compares: South Asian, 0.072%; 2 homozygotes.

Submission:

CeGaT Center for Human Genetics Tuebingen
Classification: Likely benign. Last evaluated: 2022-12-01. Review status: criteria provided, single submitter. Criteria: CeGaT Center For Human Genetics Tuebingen Variant Classification Criteria Version 2. Collection method: clinical testing. Allele origin: germline. Affected: yes. Observed: 1 variant allele.
Comment: RPS24: BP4

NM_033022.4(RPS24):c.-5C>T

Genes: RPS24 (ribosomal protein S24; plus strand), LOC130004144 (ATAC-STARR-seq lymphoblastoid active region 3613; plus strand). Cytogenetic location: 10q22.3.
Variant type: single nucleotide variant.
Coding change: c.-5C>T on transcript NM_033022.4 (MANE Select); 5 bases upstream of the start codon, C replaced by T.
Molecular consequence: 5 prime UTR variant.
Genome position (GRCh38, 1-based): chr10:78,033,897, C>T. VCF-style: chr10-78033897-C-T. GRCh37 (hg19) VCF-style: chr10-79793655-C-T.
Other names: c.-5C>T (NM_001142284.2, NM_001142285.2, NM_001026.5 and 2 more transcripts).
Identifiers: ClinVar variation 2640628 (VCV002640628.24), dbSNP rs373801561, ClinGen allele CA5571872.
Genomic context (GRCh38, chr10:78,033,897, plus strand): 5'-ATATGATTGGCCGGCGAATCGTGGTTCTCTTTTCCTCCTTGGCTGTCTGAAGATAGATCG[C>T]CATCATGGTGAGTCTCCCTGGGCCCGTGCAGTCATCTGCCGCGTATCCGAGCCATCCGTG-3'